The following is an entry in ClinVar:

NM_006031.6(PCNT):c.2818G>T (p.Ala940Ser)

Gene: PCNT (pericentrin; plus strand). Cytogenetic location: 21q22.3.
Variant type: single nucleotide variant.
Coding change: c.2818G>T on transcript NM_006031.6 (MANE Select); coding-DNA position 2818, G replaced by T.
Protein change: p.Ala940Ser; replaces alanine 940 with serine.
Molecular consequence: missense variant.
Genome position (GRCh38, 1-based): chr21:46,366,792, G>T. VCF-style: chr21-46366792-G-T. GRCh37 (hg19) VCF-style: chr21-47786707-G-T.
Other names: c.2464G>T, p.Ala822Ser (NM_001315529.2); short protein forms A940S, A822S.
Identifiers: ClinVar variation 5002546 (VCV005002546.1).

ClinVar aggregate classification (germline): Uncertain significance (1 of 4 stars; one submission).

Conditions:
PCNT-related disorder. Also called: PCNT-related condition.

gnomAD v4.1: 2 of 1,613,760 alleles (0.00012%); highest among the groups gnomAD compares: Middle Eastern, 0.016%; no homozygotes.

Submission:

PreventionGenetics, part of Exact Sciences
Classification: Uncertain significance for PCNT-related condition. Last evaluated: 2025-01-29. Review status: criteria provided, single submitter. Criteria: ACMG Guidelines, 2015. Collection method: clinical testing. Allele origin: germline.
Comment: The PCNT c.2818G>T variant is predicted to result in the amino acid substitution p.Ala940Ser. To our knowledge, this variant has not been reported in the literature. This variant is reported in 0.0029% of alleles in individuals of Latino descent in gnomAD. At this time, the clinical significance of this variant is uncertain due to the absence of conclusive functional and genetic evidence.